The following is an entry in ClinVar:

NM_004525.3(LRP2):c.9349C>A (p.Pro3117Thr)

Gene: LRP2 (LDL receptor related protein 2; minus strand). Cytogenetic location: 2q31.1.
Variant type: single nucleotide variant.
Coding change: c.9349C>A on transcript NM_004525.3 (MANE Select); coding-DNA position 9349, C replaced by A.
Protein change: p.Pro3117Thr; replaces proline 3117 with threonine.
Molecular consequence: missense variant.
Genome position (GRCh38, 1-based): chr2:169,185,999, G>T on the plus strand (C>A on the coding strand, the complement: LRP2 is on the minus strand). VCF-style: chr2-169185999-G-T. GRCh37 (hg19) VCF-style: chr2-170042509-G-T.
Other names: short protein forms P3117T.
Identifiers: ClinVar variation 1308116 (VCV001308116.2), dbSNP rs1479262832, ClinGen allele CA349154881.
Genomic context (GRCh38, chr2:169,185,999, plus strand): 5'-AGGAACAATAGAAACTGGTTAAGGTGTCTGTGCAGTTGTGATCGCAGCCACTGATTGAAG[G>T]GTCATGGCATTCATTAATGCCTGTAGGTAAAAAGCAGTTCTTAGAGATCCTAAAATATCA-3'
Protein context (NP_004516.2, residues 3107-3127): KGCGINECHD[Pro3117Thr]SISGCDHNCT

ClinVar aggregate classification (germline): Uncertain significance (1 of 4 stars; one submission).

Allele frequency attached by ClinVar (database versions not stated): TOPMed below 0.00001; gnomAD 0.00001.
gnomAD v4.1: 1 of 1,613,422 alleles (0.000062%); highest among the groups gnomAD compares: African/African-American, 0.0013%; no homozygotes.

Submission:

GeneDx
Classification: Uncertain significance. Last evaluated: 2019-08-30. Review status: criteria provided, single submitter. Criteria: GeneDx Variant Classification Process June 2021. Collection method: clinical testing. Allele origin: germline. Affected: yes.
Comment: Not observed in large population cohorts (Lek et al., 2016); In silico analysis, which includes protein predictors and evolutionary conservation, supports that this variant does not alter protein structure/function; Has not been previously published as pathogenic or benign to our knowledge